The following is an entry in ClinVar:

NM_002103.5(GYS1):c.457C>G (p.Leu153Val)

Gene: GYS1 (glycogen synthase 1; minus strand). Cytogenetic location: 19q13.33.
Variant type: single nucleotide variant.
Coding change: c.457C>G on transcript NM_002103.5 (MANE Select); coding-DNA position 457, C replaced by G.
Protein change: p.Leu153Val; replaces leucine 153 with valine.
Molecular consequence: missense variant. On other transcripts: non-coding transcript variant (1), intron variant (1).
Genome position (GRCh38, 1-based): chr19:48,987,229, G>C on the plus strand (C>G on the coding strand, the complement: GYS1 is on the minus strand). VCF-style: chr19-48987229-G-C. GRCh37 (hg19) VCF-style: chr19-49490486-G-C.
Other names: c.301-1194C>G (NM_001161587.2); short protein forms L153V.
Identifiers: ClinVar variation 2014102 (VCV002014102.4), dbSNP rs2513730785, ClinGen allele CA406765859.

ClinVar aggregate classification (germline): Uncertain significance (1 of 4 stars; one submission).

Conditions:
Glycogen storage disease due to muscle and heart glycogen synthase deficiency. Also called: GSD 0b; MUSCLE GLYCOGEN SYNTHASE DEFICIENCY. Identifiers: Orphanet 137625, MedGen C1969054, MONDO:0012693, OMIM 611556.

Submission:

Labcorp Genetics (formerly Invitae), Labcorp
Classification: Uncertain significance for Glycogen storage disease due to muscle and heart glycogen synthase deficiency. Last evaluated: 2022-07-06. Review status: criteria provided, single submitter. Criteria: Invitae Variant Classification Sherloc (09022015). Collection method: clinical testing. Allele origin: germline.
Comment: In summary, the available evidence is currently insufficient to determine the role of this variant in disease. Therefore, it has been classified as a Variant of Uncertain Significance. Algorithms developed to predict the effect of missense changes on protein structure and function are either unavailable or do not agree on the potential impact of this missense change (SIFT: "Tolerated"; PolyPhen-2: "Probably Damaging"; Align-GVGD: "Class C0"). This variant has not been reported in the literature in individuals affected with GYS1-related conditions. This variant is not present in population databases (gnomAD no frequency). This sequence change replaces leucine, which is neutral and non-polar, with valine, which is neutral and non-polar, at codon 153 of the GYS1 protein (p.Leu153Val).